The following is an entry in ClinVar:

NM_001291088.2(WDR87):c.6669AGA[3] (p.Glu2227del)

Gene: WDR87 (WD repeat domain 87; minus strand). Cytogenetic location: 19q13.13.
Variant type: Microsatellite.
Coding change: c.6669AGA[3] on transcript NM_001291088.2 (MANE Select); three copies in a row of the 3-base unit AGA starting at c.6669; the reference has four copies in a row; one copy, 3 bases deleted.
Protein change: p.Glu2227del; deletes glutamic acid 2227.
Molecular consequence: inframe deletion.
Genome position (GRCh38, 1-based): chr19:37,886,991-37,886,993, TCT deleted on the plus strand (AGA on the coding strand, the reverse complement: WDR87 is on the minus strand); deleting any 3 consecutive bases within chr19:37,886,991-37,887,002 gives the same sequence; the position shown is the placement nearest the transcript's 3' end. VCF-style (leftmost placement, unchanged base first): chr19-37886990-CTCT-C. GRCh37 (hg19) VCF-style: chr19-38377630-CTCT-C.
Other names: c.6552AGA[3], p.Glu2188del (NM_031951.5); short protein forms E2188del, E2227del.
Identifiers: ClinVar variation 2974543 (VCV002974543.3), dbSNP rs564155810, ClinGen allele CA9408493.

ClinVar aggregate classification (germline): Uncertain significance (1 of 4 stars; one submission).

Submission:

Labcorp Genetics (formerly Invitae), Labcorp
Classification: Uncertain significance. Last evaluated: 2024-12-02. Review status: criteria provided, single submitter. Criteria: Invitae Variant Classification Sherloc (09022015). Collection method: clinical testing. Allele origin: germline.
Comment: This variant, c.6561_6563del, results in the deletion of 1 amino acid(s) of the WDR87 protein (p.Glu2188del), but otherwise preserves the integrity of the reading frame. This variant is present in population databases (rs564155810, gnomAD 0.008%). This variant has not been reported in the literature in individuals affected with WDR87-related conditions. Experimental studies and prediction algorithms are not available or were not evaluated, and the functional significance of this variant is currently unknown. In summary, the available evidence is currently insufficient to determine the role of this variant in disease. Therefore, it has been classified as a Variant of Uncertain Significance.